The following is an entry in ClinVar:

NC_000010.10:g.(?_68280355)_(68526194_?)del

Gene: CTNNA3 (catenin alpha 3; minus strand). Cytogenetic location: 10q21.3.
Variant type: Deletion.
Identifiers: ClinVar variation 2425835 (VCV002425835.3).

ClinVar aggregate classification (germline): Uncertain significance (1 of 4 stars; one submission).

Conditions:
Arrhythmogenic right ventricular dysplasia 13. Also called: Arrhythmogenic right ventricular dysplasia, familial, 13; ARRHYTHMOGENIC RIGHT VENTRICULAR CARDIOMYOPATHY 13. Identifiers: MedGen C3810138, MONDO:0000908, OMIM 615616.

Submission:

Labcorp Genetics (formerly Invitae), Labcorp
Classification: Uncertain significance for Arrhythmogenic right ventricular dysplasia 13. Last evaluated: 2021-10-24. Review status: criteria provided, single submitter. Criteria: Invitae Variant Classification Sherloc (09022015). Collection method: clinical testing. Allele origin: germline.
Comment: This variant is a gross deletion of the genomic region encompassing exon(s) 9-11 of the CTNNA3 gene. This deletion is out-of-frame, and is expected to create a premature translational stop signal and result in an absent or disrupted protein product. However, the current clinical and genetic evidence is not sufficient to establish whether loss-of-function variants in CTNNA3 cause disease. This variant has not been reported in the literature in individuals affected with CTNNA3-related conditions. In summary, the available evidence is currently insufficient to determine the role of this variant in disease. Therefore, it has been classified as a Variant of Uncertain Significance.